The following is an entry in ClinVar:

NM_003640.5(ELP1):c.1125G>A (p.Trp375Ter)

Gene: ELP1 (elongator acetyltransferase complex subunit 1; minus strand). Cytogenetic location: 9q31.3.
Variant type: single nucleotide variant.
Coding change: c.1125G>A on transcript NM_003640.5 (MANE Select); coding-DNA position 1125, G replaced by A.
Protein change: p.Trp375Ter; replaces tryptophan 375 with a stop codon.
Molecular consequence: nonsense.
Genome position (GRCh38, 1-based): chr9:108,912,328, C>T on the plus strand (G>A on the coding strand, the complement: ELP1 is on the minus strand). VCF-style: chr9-108912328-C-T. GRCh37 (hg19) VCF-style: chr9-111674608-C-T.
Other names: c.783G>A, p.Trp261Ter (NM_001318360.2); c.78G>A, p.Trp26Ter (NM_001330749.2); short protein forms W26*, W261*, W375*.
Identifiers: ClinVar variation 4815168 (VCV004815168.2).

ClinVar aggregate classification (germline): Pathogenic/Likely pathogenic. Review status: criteria provided, multiple submitters, no conflicts (2 of 4 stars). 2 submissions from 2 submitters: Pathogenic (1); Likely pathogenic (1). Last evaluated 2026-03-04.

Conditions:
Familial dysautonomia. Also called: FD; HSAN III. Identifiers: Orphanet 1764, MedGen C0013364, MONDO:0009131, OMIM 223900. Disease mechanism: loss of function.

Submissions (2):

Myriad Genetics, Inc.
Classification: Pathogenic for Familial dysautonomia. Last evaluated: 2026-03-04. Review status: criteria provided, single submitter. Criteria: Myriad Autosomal Dominant, Autosomal Recessive and X-Linked Classification Criteria (2023). Collection method: clinical testing. Allele origin: unknown.
Comment: NM_003640.3(ELP1):c.1125G>A(W375*) is expected to be pathogenic in the context of familial dysautonomia. This variant is predicted to lead to an abnormal or absent protein product due to the creation of a premature termination codon in ELP1, a gene where loss-of-function variants are known to be pathogenic. Please note: this variant was assessed in the context of healthy population screening.

Natera, Inc.
Classification: Likely pathogenic for Familial dysautonomia. Last evaluated: 2026-01-05. Review status: criteria provided, single submitter. Criteria: Natera Variant Classification Schema (03/2026). Collection method: clinical testing. Allele origin: germline.
Comment: The c.1125G>A variant in ELP1 is a nonsense variant predicted to introduce a stop codon at amino acid 375. This variant is expected to result in nonsense mediated decay, truncation, or a dysfunctional protein product. This variant is rare in the general population with a frequency below the threshold expected for the associated phenotype(s). Given the available evidence, this variant is classified as Likely Pathogenic.